The following is an entry in ClinVar:

ClinVar aggregate classification (germline): Conflicting classifications of pathogenicity. Review status: criteria provided, conflicting classifications (1 of 4 stars). 6 submissions from 6 submitters: Uncertain significance (3); Likely benign (2). 1 of the submissions does not count toward it. Last evaluated 2025-02-20.

Conditions:
Schimke immuno-osseous dysplasia (SIOD). Also called: Schimke Immunoosseous Dysplasia. Identifiers: Orphanet 1830, MedGen C0877024, MONDO:0009458, OMIM 242900.
Inborn genetic diseases. Identifiers: MedGen C0950123, MeSH D030342.

Allele frequency attached by ClinVar (database versions not stated): gnomAD 0.00002 and 0.00003; gnomAD exomes 0.00003 and 0.00009; TOPMed 0.00003; ExAC 0.00008; 1000 Genomes Project 30x 0.00016; 1000 Genomes Project 0.00020.
gnomAD v4.1: 62 of 1,614,086 alleles (0.0038%); highest among the groups gnomAD compares: East Asian, 0.033%; no homozygotes.

Submissions (6):

Ambry Genetics
Classification: Likely benign for Inborn genetic diseases. Last evaluated: 2025-02-20. Review status: criteria provided, single submitter. Criteria: Ambry Variant Classification Scheme 2023. Collection method: clinical testing. Allele origin: germline.

3billion
Classification: Likely benign for Schimke immuno-osseous dysplasia. Last evaluated: 2024-09-20. Review status: criteria provided, single submitter. Criteria: ACMG Guidelines, 2015. Collection method: clinical testing. Allele origin: germline. Affected: no.
Comment: The homozygous variant was found in patients diagnosed with another variant in a different gene, with no symptoms related to the gene containing the homozygous variant.

Labcorp Genetics (formerly Invitae), Labcorp
Classification: Uncertain significance for Schimke immuno-osseous dysplasia. Last evaluated: 2022-09-01. Review status: criteria provided, single submitter. Criteria: Invitae Variant Classification Sherloc (09022015). Collection method: clinical testing. Allele origin: germline.
Comment: This sequence change replaces leucine, which is neutral and non-polar, with glutamine, which is neutral and polar, at codon 845 of the SMARCAL1 protein (p.Leu845Gln). This variant is present in population databases (rs372298863, gnomAD 0.03%). This variant has not been reported in the literature in individuals affected with SMARCAL1-related conditions. ClinVar contains an entry for this variant (Variation ID: 967622). Algorithms developed to predict the effect of missense changes on protein structure and function are either unavailable or do not agree on the potential impact of this missense change (SIFT: "Deleterious"; PolyPhen-2: "Possibly Damaging"; Align-GVGD: "Class C0"). In summary, the available evidence is currently insufficient to determine the role of this variant in disease. Therefore, it has been classified as a Variant of Uncertain Significance.

Fulgent Genetics
Classification: Uncertain significance for Schimke immuno-osseous dysplasia. Last evaluated: 2021-12-04. Review status: criteria provided, single submitter. Criteria: ACMG Guidelines, 2015. Collection method: clinical testing. Allele origin: unknown.

Juno Genomics, Hangzhou Juno Genomics, Inc
Classification: Uncertain significance for Schimke immuno-osseous dysplasia. Review status: criteria provided, single submitter. Criteria: ACMG Guidelines, 2015. Collection method: clinical testing. Allele origin: germline.
Comment: Absent from controls (or at extremely low frequency if recessive) in Genome Aggregation Database.;Multiple lines of computational evidence support a deleterious effect on the gene or gene product.

Natera, Inc.
Classification: Uncertain significance for Schimke immuno-osseous dysplasia. Last evaluated: 2020-01-17. Review status: no assertion criteria provided. Collection method: clinical testing. Allele origin: germline. Not counted in ClinVar's aggregate classification.

NM_014140.4(SMARCAL1):c.2534T>A (p.Leu845Gln)

Gene: SMARCAL1 (SNF2 related chromatin remodeling annealing helicase 1; plus strand). Cytogenetic location: 2q35.
Variant type: single nucleotide variant.
Coding change: c.2534T>A on transcript NM_014140.4 (MANE Select); coding-DNA position 2534, T replaced by A.
Protein change: p.Leu845Gln; replaces leucine 845 with glutamine.
Molecular consequence: missense variant.
Genome position (GRCh38, 1-based): chr2:216,478,208, T>A. VCF-style: chr2-216478208-T-A. GRCh37 (hg19) VCF-style: chr2-217342931-T-A.
Other names: c.2534T>A, p.Leu845Gln (NM_001127207.2); short protein forms L845Q.
Identifiers: ClinVar variation 967622 (VCV000967622.11), dbSNP rs372298863, ClinGen allele CA2098243.